The following is an entry in ClinVar:

ClinVar aggregate classification (germline): Likely pathogenic (1 of 4 stars; one submission).

Submission:

Labcorp Genetics (formerly Invitae), Labcorp
Classification: Likely pathogenic. Last evaluated: 2023-06-30. Review status: criteria provided, single submitter. Criteria: Invitae Variant Classification Sherloc (09022015). Collection method: clinical testing. Allele origin: unknown.
Comment: In summary, the currently available evidence indicates that the variant is pathogenic, but additional data are needed to prove that conclusively. Therefore, this variant has been classified as Likely Pathogenic. Experimental studies and prediction algorithms are not available or were not evaluated, and the functional significance of this variant is currently unknown. This variant has not been reported in the literature in individuals affected with ABCC2-related conditions. This variant results in a copy number gain of the genomic region encompassing exon(s) 26 of the ABCC2 gene. While the exact position of this variant cannot be determined from the data, sub-genic copy number gains are generally in tandem (PMID: 25640679). This variant is predicted to be out-of-frame, and may result in an absent or disrupted protein product. Loss-of-function variants in ABCC2 are known to be pathogenic (PMID: 9185779, 16549534, 16952291).

Literature cited by the submitters: PubMed 25640679; PubMed 9185779; PubMed 16549534; PubMed 16952291.

NC_000010.10:g.(?_101601704)_(101601870_?)dup

Gene: ABCC2 (ATP binding cassette subfamily C member 2; plus strand). Cytogenetic location: 10q24.2.
Variant type: Duplication.
Identifiers: ClinVar variation 3244946 (VCV003244946.1).